The following is an entry in ClinVar:

NM_006267.5(RANBP2):c.970T>C (p.Phe324Leu)

Gene: RANBP2 (RAN binding protein 2; plus strand). Cytogenetic location: 2q13.
Variant type: single nucleotide variant.
Coding change: c.970T>C on transcript NM_006267.5 (MANE Select); coding-DNA position 970, T replaced by C.
Protein change: p.Phe324Leu; replaces phenylalanine 324 with leucine.
Molecular consequence: missense variant.
Genome position (GRCh38, 1-based): chr2:108,740,676, T>C. VCF-style: chr2-108740676-T-C. GRCh37 (hg19) VCF-style: chr2-109357132-T-C.
Other names: short protein forms F324L.
Identifiers: ClinVar variation 841575 (VCV000841575.7), dbSNP rs1696012584, ClinGen allele CA348044032.

ClinVar aggregate classification (germline): Uncertain significance (1 of 4 stars; one submission).

Conditions:
Familial acute necrotizing encephalopathy (IIAE3). Also called: ENCEPHALOPATHY, ACUTE, INFECTION-INDUCED, SUSCEPTIBILITY TO, 3; Susceptibility to Acute Necrotizing Encephalopathy 1. Identifiers: Orphanet 88619, MedGen C2675556, MONDO:0011953, OMIM 608033.

Allele frequency attached by ClinVar (database versions not stated): gnomAD exomes below 0.00001; TOPMed below 0.00001.
gnomAD v4.1: 1 of 1,597,524 alleles (0.000063%); highest among the groups gnomAD compares: Non-Finnish European, 0.000085%; no homozygotes.

Submission:

Labcorp Genetics (formerly Invitae), Labcorp
Classification: Uncertain significance for Familial acute necrotizing encephalopathy. Last evaluated: 2022-10-13. Review status: criteria provided, single submitter. Criteria: Invitae Variant Classification Sherloc (09022015). Collection method: clinical testing. Allele origin: germline.
Comment: This sequence change replaces phenylalanine, which is neutral and non-polar, with leucine, which is neutral and non-polar, at codon 324 of the RANBP2 protein (p.Phe324Leu). This variant is not present in population databases (gnomAD no frequency). This variant has not been reported in the literature in individuals affected with RANBP2-related conditions. ClinVar contains an entry for this variant (Variation ID: 841575). Algorithms developed to predict the effect of missense changes on protein structure and function are either unavailable or do not agree on the potential impact of this missense change (SIFT: "Deleterious"; PolyPhen-2: "Benign"; Align-GVGD: "Class C15"). In summary, the available evidence is currently insufficient to determine the role of this variant in disease. Therefore, it has been classified as a Variant of Uncertain Significance.